The following is an entry in ClinVar:

ClinVar aggregate classification (germline): Uncertain significance (1 of 4 stars; one submission).

Submission:

GeneDx
Classification: Uncertain significance. Last evaluated: 2023-05-02. Review status: criteria provided, single submitter. Criteria: GeneDx Variant Classification Process June 2021. Collection method: clinical testing. Allele origin: germline. Affected: yes.
Comment: Not observed at significant frequency in large population cohorts (gnomAD); In-frame deletion of 1 amino acid in a non-repeat region; In silico analysis supports that this variant does not alter protein structure/function; Has not been previously published as pathogenic or benign to our knowledge

NM_000489.6(ATRX):c.2782GAG[1] (p.Glu929del)

Gene: ATRX (ATRX chromatin remodeler; minus strand). Cytogenetic location: Xq21.1.
Variant type: Microsatellite.
Coding change: c.2782GAG[1] on transcript NM_000489.6 (MANE Select); one copy of the 3-base unit GAG starting at c.2782; the reference has two copies in a row; one copy, 3 bases deleted.
Protein change: p.Glu929del; deletes glutamic acid 929.
Molecular consequence: inframe deletion.
Genome position (GRCh38, 1-based): chrX:77,682,469-77,682,471, CTC deleted on the plus strand (GAG on the coding strand, the reverse complement: ATRX is on the minus strand); deleting any 3 consecutive bases within chrX:77,682,469-77,682,474 gives the same sequence; the position shown is the placement nearest the transcript's 3' end. VCF-style (leftmost placement, unchanged base first): chrX-77682468-TCTC-T. GRCh37 (hg19) VCF-style: chrX-76937960-TCTG-T.
Other names: c.2668GAG[1], p.Glu891del (NM_138270.5); short protein forms E891del, E929del.
Identifiers: ClinVar variation 2663431 (VCV002663431.1), dbSNP rs2519925666, ClinGen allele CA2695197157.